The following is an entry in ClinVar:

ClinVar aggregate classification (germline): Uncertain significance. Review status: criteria provided, multiple submitters, no conflicts (2 of 4 stars). 2 submissions from 2 submitters: Uncertain significance (2). Last evaluated 2022-05-16.

Conditions:
Familial adenomatous polyposis 1 (FAP1). Also called: POLYPOSIS, ADENOMATOUS INTESTINAL; FAMILIAL ADENOMATOUS POLYPOSIS 1, ATTENUATED. Identifiers: MedGen C2713442, MONDO:0021056, OMIM 175100. Disease mechanism: loss of function.

gnomAD v4.1: 1 of 1,613,912 alleles (0.000062%); highest among the groups gnomAD compares: Non-Finnish European, 0.000085%; no homozygotes.

Submissions (2):

Labcorp Genetics (formerly Invitae), Labcorp
Classification: Uncertain significance for Familial adenomatous polyposis 1. Last evaluated: 2022-05-16. Review status: criteria provided, single submitter. Criteria: Invitae Variant Classification Sherloc (09022015). Collection method: clinical testing. Allele origin: germline.
Comment: This sequence change replaces proline, which is neutral and non-polar, with leucine, which is neutral and non-polar, at codon 2346 of the APC protein (p.Pro2346Leu). This variant is not present in population databases (gnomAD no frequency). This variant has not been reported in the literature in individuals affected with APC-related conditions. ClinVar contains an entry for this variant (Variation ID: 1336346). Algorithms developed to predict the effect of missense changes on protein structure and function are either unavailable or do not agree on the potential impact of this missense change (SIFT: "Deleterious"; PolyPhen-2: "Probably Damaging"; Align-GVGD: "Class C0"). In summary, the available evidence is currently insufficient to determine the role of this variant in disease. Therefore, it has been classified as a Variant of Uncertain Significance.

Genetic Services Laboratory, University of Chicago
Classification: Uncertain significance. Last evaluated: 2017-11-08. Review status: criteria provided, single submitter. Criteria: ACMG Guidelines, 2015. Collection method: clinical testing. Allele origin: germline. Affected: no.

NM_000038.6(APC):c.7037C>T (p.Pro2346Leu)

Gene: APC (APC regulator of Wnt signaling pathway; plus strand). Cytogenetic location: 5q22.2.
Variant type: single nucleotide variant.
Coding change: c.7037C>T on transcript NM_000038.6 (MANE Select); coding-DNA position 7037, C replaced by T.
Protein change: p.Pro2346Leu; replaces proline 2346 with leucine.
Molecular consequence: missense variant.
Genome position (GRCh38, 1-based): chr5:112,842,631, C>T. VCF-style: chr5-112842631-C-T. GRCh37 (hg19) VCF-style: chr5-112178328-C-T.
Other names: c.7037C>T, p.Pro2346Leu (NM_001127510.3, NM_001354895.2); c.6983C>T, p.Pro2328Leu (NM_001127511.3); c.7091C>T, p.Pro2364Leu (NM_001354896.2); c.7067C>T, p.Pro2356Leu (NM_001354897.2); c.6962C>T, p.Pro2321Leu (NM_001354898.2); c.6953C>T, p.Pro2318Leu (NM_001354899.2); c.6914C>T, p.Pro2305Leu (NM_001354900.2); c.6860C>T, p.Pro2287Leu (NM_001354901.2); and 5 more; short protein forms P2063L, P2186L, P2220L, P2245L, P2255L, P2287L, P2305L, P2318L.
Identifiers: ClinVar variation 1336346 (VCV001336346.8), dbSNP rs2149978691, ClinGen allele CA16036672.